The following is an entry in ClinVar:

ClinVar aggregate classification (germline): Uncertain significance. Review status: criteria provided, multiple submitters, no conflicts (2 of 4 stars). 2 submissions from 2 submitters: Uncertain significance (2). Last evaluated 2024-11-14.

Conditions:
Cornelia de Lange syndrome 5 (CDLS5). Also called: HDAC8-Related Cornelia de Lange Syndrome. Identifiers: Orphanet 199, MedGen C3550903, MONDO:0010471, OMIM 300882.
Inborn genetic diseases. Identifiers: MedGen C0950123, MeSH D030342.

Submissions (2):

Ambry Genetics
Classification: Uncertain significance for Inborn genetic diseases. Last evaluated: 2024-11-14. Review status: criteria provided, single submitter. Criteria: Ambry Variant Classification Scheme 2023. Collection method: clinical testing. Allele origin: germline.

Labcorp Genetics (formerly Invitae), Labcorp
Classification: Uncertain significance for Cornelia de Lange syndrome 5. Last evaluated: 2024-10-31. Review status: criteria provided, single submitter. Criteria: Invitae Variant Classification Sherloc (09022015). Collection method: clinical testing. Allele origin: germline.
Comment: This sequence change replaces leucine, which is neutral and non-polar, with phenylalanine, which is neutral and non-polar, at codon 308 of the HDAC8 protein (p.Leu308Phe). This variant is not present in population databases (gnomAD no frequency). This variant has not been reported in the literature in individuals affected with HDAC8-related conditions. Invitae Evidence Modeling of protein sequence and biophysical properties (such as structural, functional, and spatial information, amino acid conservation, physicochemical variation, residue mobility, and thermodynamic stability) indicates that this missense variant is not expected to disrupt HDAC8 protein function with a negative predictive value of 80%. In summary, the available evidence is currently insufficient to determine the role of this variant in disease. Therefore, it has been classified as a Variant of Uncertain Significance.

NM_018486.3(HDAC8):c.922C>T (p.Leu308Phe)

Gene: HDAC8 (histone deacetylase 8; minus strand). Cytogenetic location: Xq13.1.
Variant type: single nucleotide variant.
Coding change: c.922C>T on transcript NM_018486.3 (MANE Select); coding-DNA position 922, C replaced by T.
Protein change: p.Leu308Phe; replaces leucine 308 with phenylalanine.
Molecular consequence: missense variant. On other transcripts: 3 prime UTR variant (1), non-coding transcript variant (1).
Genome position (GRCh38, 1-based): chrX:72,462,087, G>A on the plus strand (C>T on the coding strand, the complement: HDAC8 is on the minus strand). VCF-style: chrX-72462087-G-A. GRCh37 (hg19) VCF-style: chrX-71681937-G-A.
Other names: c.649C>T, p.Leu217Phe (NM_001166418.2, NM_001410728.1); c.922C>T, p.Leu308Phe (NM_001410725.1); c.844C>T, p.Leu282Phe (NM_001410727.1); c.*2C>T (NM_001410729.1); short protein forms L217F, L282F, L308F.
Identifiers: ClinVar variation 3524476 (VCV003524476.3).